The following is an entry in ClinVar:

NM_000260.4(MYO7A):c.3828G>A (p.Ser1276=)

Gene: MYO7A (myosin VIIA; plus strand). Cytogenetic location: 11q13.5.
Variant type: single nucleotide variant.
Coding change: c.3828G>A on transcript NM_000260.4 (MANE Select); coding-DNA position 3828, G replaced by A.
Protein change: p.Ser1276=; no amino-acid change (serine 1276 retained).
Molecular consequence: synonymous variant.
Genome position (GRCh38, 1-based): chr11:77,190,774, G>A. VCF-style: chr11-77190774-G-A. GRCh37 (hg19) VCF-style: chr11-76901819-G-A.
Other names: p.Ser1276=; c.3828G>A, p.Ser1276= (NM_001127180.2); c.3795G>A, p.Ser1265= (NM_001369365.1).
Identifiers: ClinVar variation 43225 (VCV000043225.31), dbSNP rs78871677, ClinGen allele CA132308.

ClinVar aggregate classification (germline): Benign/Likely benign. Review status: criteria provided, multiple submitters, no conflicts (2 of 4 stars). 12 submissions from 10 submitters: Benign (9); Likely benign (2). 1 of the submissions does not count toward it. Last evaluated 2026-02-02.

Conditions:
Usher syndrome type 1 (USH1). Also called: RETINITIS PIGMENTOSA AND CONGENITAL DEAFNESS. Identifiers: Orphanet 231169, Orphanet 886, MedGen C1568247, MONDO:0010168, OMIM 276900.
Usher syndrome type 1B (USH1B). Also called: Usher syndrome type IB. Identifiers: MedGen C1848638, MONDO:0700087.
Autosomal recessive nonsyndromic hearing loss 2. Also called: DEAFNESS, AUTOSOMAL RECESSIVE 2; NEUROSENSORY NONSYNDROMIC RECESSIVE DEAFNESS 2. Identifiers: Orphanet 90636, MedGen C1838701, MONDO:0010807, OMIM 600060.
Autosomal dominant nonsyndromic hearing loss 11. Identifiers: Orphanet 90635, MedGen C1832475, MONDO:0011032, OMIM 601317.

Allele frequency attached by ClinVar (database versions not stated): gnomAD 0.02215 and 0.02377; TOPMed 0.02444; ESP Exome Variant Server 0.02522; 1000 Genomes Project 0.02556; 1000 Genomes Project 30x 0.02608; gnomAD exomes 0.00224 and 0.00504; ExAC 0.01000.
gnomAD v4.1: 6,749 of 1,597,292 alleles (0.42%); highest among the groups gnomAD compares: African/African-American, 7.7%; 211 homozygotes.

Submissions (12):

Labcorp Genetics (formerly Invitae), Labcorp
Classification: Benign. Last evaluated: 2026-02-02. Review status: criteria provided, single submitter. Criteria: Invitae Variant Classification Sherloc (09022015). Collection method: clinical testing. Allele origin: germline.

Mayo Clinic Laboratories, Mayo Clinic
Classification: Benign. Last evaluated: 2025-03-08. Review status: criteria provided, single submitter. Criteria: ACMG Guidelines, 2015. Collection method: clinical testing. Allele origin: germline. Observed: 1 variant allele.

ARUP Laboratories, Molecular Genetics and Genomics, ARUP Laboratories
Classification: Benign. Last evaluated: 2023-11-22. Review status: criteria provided, single submitter. Criteria: ARUP Molecular Germline Variant Investigation Process 2024. Collection method: clinical testing. Allele origin: germline.

Athena Diagnostics
Classification: Benign. Last evaluated: 2019-02-15. Review status: criteria provided, single submitter. Criteria: Athena Diagnostics Criteria. Collection method: clinical testing. Allele origin: germline.

Illumina Laboratory Services, Illumina
Classification: Benign for Usher syndrome type 1. Last evaluated: 2018-01-13. Review status: criteria provided, single submitter. Criteria: ICSL Variant Classification Criteria 13 December 2019. Collection method: clinical testing. Allele origin: germline.
Comment: This variant was observed in the ICSL laboratory as part of a predisposition screen in an ostensibly healthy population. It had not been previously curated by ICSL or reported in the Human Gene Mutation Database (HGMD: prior to June 1st, 2018), and was therefore a candidate for classification through an automated scoring system. Utilizing variant allele frequency, disease prevalence and penetrance estimates, and inheritance mode, an automated score was calculated to assess if this variant is too frequent to cause the disease. Based on the score and internal cut-off values, a variant classified as benign is not then subjected to further curation. The score for this variant resulted in a classification of benign for this disease.

Illumina Laboratory Services, Illumina
Classification: Benign for Autosomal dominant nonsyndromic hearing loss 11. Last evaluated: 2018-01-13. Review status: criteria provided, single submitter. Criteria: ICSL Variant Classification Criteria 13 December 2019. Collection method: clinical testing. Allele origin: germline.
Comment: the same text as in the submission from Illumina Laboratory Services, Illumina above.

Illumina Laboratory Services, Illumina
Classification: Likely benign for Autosomal recessive nonsyndromic hearing loss 2. Last evaluated: 2018-01-13. Review status: criteria provided, single submitter. Criteria: ICSL Variant Classification Criteria 13 December 2019. Collection method: clinical testing. Allele origin: germline.
Comment: This variant was observed in the ICSL laboratory as part of a predisposition screen in an ostensibly healthy population. It had not been previously curated by ICSL or reported in the Human Gene Mutation Database (HGMD: prior to June 1st, 2018), and was therefore a candidate for classification through an automated scoring system. Utilizing variant allele frequency, disease prevalence and penetrance estimates, and inheritance mode, an automated score was calculated to assess if this variant is too frequent to cause the disease. Based on the score and internal cut-off values, a variant classified as likely benign is not then subjected to further curation. The score for this variant resulted in a classification of likely benign for this disease.

GeneDx
Classification: Benign. Last evaluated: 2016-06-23. Review status: criteria provided, single submitter. Criteria: GeneDx Variant Classification (06012015). Collection method: clinical testing. Allele origin: germline. Affected: yes.
Comment: This variant is considered likely benign or benign based on one or more of the following criteria: it is a conservative change, it occurs at a poorly conserved position in the protein, it is predicted to be benign by multiple in silico algorithms, and/or has population frequency not consistent with disease.

Laboratory for Molecular Medicine, Mass General Brigham Personalized Medicine
Classification: Benign. Last evaluated: 2010-10-06. Review status: criteria provided, single submitter. Criteria: LMM Criteria. Collection method: clinical testing. Allele origin: germline. Observed: 29 variant alleles.
Comment: This variant is not expected to have clinical significance because it does not a lter an amino acid residue and is not located near a splice junction. In additio n, this variant has been identified with a minor allele frequency of 3% (Greinwa ld, unpublished data), identified in 3/17 (17.6%) Black probands in our lab, and was found as a homozygous variant in 2 individuals (Usher UMD), one of whom was homozygous for pathogenic MYO7A nonsense variant.

Breakthrough Genomics
Classification: Likely benign. Review status: criteria provided, single submitter. Criteria: ACMG Guidelines, 2015. Collection method: not provided. Allele origin: germline. Inheritance: Autosomal recessive inheritance. Affected: yes.

PreventionGenetics, part of Exact Sciences
Classification: Benign. Review status: criteria provided, single submitter. Criteria: ACMG Guidelines, 2015. Collection method: clinical testing. Allele origin: germline.

Natera, Inc.
Classification: Benign for Usher syndrome type 1B. Last evaluated: 2020-09-16. Review status: no assertion criteria provided. Collection method: clinical testing. Allele origin: germline. Not counted in ClinVar's aggregate classification.